The following is an entry in ClinVar:

NM_001353108.3(CEP63):c.1067+3A>C

Gene: CEP63 (centrosomal protein 63; plus strand). Cytogenetic location: 3q22.2.
Variant type: single nucleotide variant.
Coding change: c.1067+3A>C on transcript NM_001353108.3 (MANE Select); 3 bases into the intron after coding-DNA position 1067, A replaced by C.
Molecular consequence: intron variant.
Genome position (GRCh38, 1-based): chr3:134,547,475, A>C. VCF-style: chr3-134547475-A-C. GRCh37 (hg19) VCF-style: chr3-134266317-A-C.
Other names: c.1067+3A>C (NM_001353113.1, NM_001353110.1, NM_001353117.2 and 4 more transcripts); c.929+1187A>C (NM_001042384.2, NM_001353122.1, NM_001353109.1 and 6 more transcripts); c.956+1187A>C (NM_001353118.1); c.566+1187A>C (NM_001353126.2); c.845+1187A>C (NM_001353125.2).
Identifiers: ClinVar variation 1397895 (VCV001397895.6), dbSNP rs2109689108, ClinGen allele CA2573136562.

ClinVar aggregate classification (germline): Uncertain significance (1 of 4 stars; one submission).

Submission:

Labcorp Genetics (formerly Invitae), Labcorp
Classification: Uncertain significance. Last evaluated: 2021-02-11. Review status: criteria provided, single submitter. Criteria: Invitae Variant Classification Sherloc (09022015). Collection method: clinical testing. Allele origin: germline.
Comment: In summary, the available evidence is currently insufficient to determine the role of this variant in disease. Therefore, it has been classified as a Variant of Uncertain Significance. Nucleotide substitutions within the consensus splice site are a relatively common cause of aberrant splicing (PMID: 17576681, 9536098). Algorithms developed to predict the effect of sequence changes on RNA splicing suggest that this variant may disrupt the consensus splice site, but this prediction has not been confirmed by published transcriptional studies. This sequence change falls in intron 10 of the CEP63 gene. It does not directly change the encoded amino acid sequence of the CEP63 protein. It affects a nucleotide within the consensus splice site of the intron. This variant is not present in population databases (ExAC no frequency). This variant has not been reported in the literature in individuals with CEP63-related conditions.

Literature cited by the submitters: PubMed 17576681; PubMed 9536098.